The following is an entry in ClinVar:

NM_015937.6(PIGT):c.23C>G (p.Ala8Gly)

Gene: PIGT (phosphatidylinositol glycan anchor biosynthesis class T; plus strand). Cytogenetic location: 20q13.12.
Variant type: single nucleotide variant.
Coding change: c.23C>G on transcript NM_015937.6 (MANE Select); coding-DNA position 23, C replaced by G.
Protein change: p.Ala8Gly; replaces alanine 8 with glycine.
Molecular consequence: missense variant. On other transcripts: non-coding transcript variant (5).
Genome position (GRCh38, 1-based): chr20:45,416,179, C>G. VCF-style: chr20-45416179-C-G. GRCh37 (hg19) VCF-style: chr20-44044819-C-G.
Other names: c.23C>G, p.Ala8Gly (NM_001184728.3, NM_001184729.3, NM_001184730.3); short protein forms A8G.
Identifiers: ClinVar variation 2051995 (VCV002051995.4), dbSNP rs775987061, ClinGen allele CA409165676.
Genomic context (GRCh38, chr20:45,416,179, plus strand): 5'-GGCCGAGCGCCGCTGGGTAGGCGGAAGTAGCCGCAGGCATGGCGGCGGCTATGCCGCTTG[C>G]TCTGCTCGTCCTGTTGCTCCTGGGGCCCGGCGGCTGGTGCCTTGCAGAACCCCCACGCGA-3'
Protein context (NP_057021.2, residues 1-18): MAAAMPL[Ala8Gly]LLVLLLLGPG

ClinVar aggregate classification (germline): Uncertain significance (1 of 4 stars; one submission).

Conditions:
Multiple congenital anomalies-hypotonia-seizures syndrome 3 (MCAHS3). Also called: GLYCOSYLPHOSPHATIDYLINOSITOL BIOSYNTHESIS DEFECT 7. Identifiers: Orphanet 369837, MedGen C3809356, MONDO:0014165, OMIM 615398.

Submission:

Labcorp Genetics (formerly Invitae), Labcorp
Classification: Uncertain significance for Multiple congenital anomalies-hypotonia-seizures syndrome 3. Last evaluated: 2022-08-16. Review status: criteria provided, single submitter. Criteria: Invitae Variant Classification Sherloc (09022015). Collection method: clinical testing. Allele origin: germline.
Comment: This sequence change replaces alanine, which is neutral and non-polar, with glycine, which is neutral and non-polar, at codon 8 of the PIGT protein (p.Ala8Gly). This variant is present in population databases (no rsID available, gnomAD 0.01%). This variant has not been reported in the literature in individuals affected with PIGT-related conditions. Algorithms developed to predict the effect of missense changes on protein structure and function output the following: SIFT: "Tolerated"; PolyPhen-2: "Not Available"; Align-GVGD: "Class C0". The glycine amino acid residue is found in multiple mammalian species, which suggests that this missense change does not adversely affect protein function. In summary, the available evidence is currently insufficient to determine the role of this variant in disease. Therefore, it has been classified as a Variant of Uncertain Significance.